The following is an entry in ClinVar:

ClinVar aggregate classification (germline): Conflicting classifications of pathogenicity. Review status: criteria provided, conflicting classifications (1 of 4 stars). 2 submissions from 2 submitters: Uncertain significance (1); Likely benign (1). Last evaluated 2023-08-10.

Conditions:
Inborn genetic diseases. Identifiers: MedGen C0950123, MeSH D030342.
Nephronophthisis. Also called: Juvenile Nephronophthisis. Identifiers: Orphanet 655, MedGen C0687120, MONDO:0019005, HP:0000090.

Allele frequency attached by ClinVar (database versions not stated): ExAC 0.00001; TOPMed 0.00001; gnomAD exomes 0.00001.
gnomAD v4.1: 19 of 1,573,128 alleles (0.0012%); highest among the groups gnomAD compares: African/African-American, 0.0041%; no homozygotes.

Submissions (2):

Labcorp Genetics (formerly Invitae), Labcorp
Classification: Uncertain significance for Nephronophthisis. Last evaluated: 2023-08-10. Review status: criteria provided, single submitter. Criteria: Invitae Variant Classification Sherloc (09022015). Collection method: clinical testing. Allele origin: germline.
Comment: This variant is present in population databases (rs779083426, gnomAD 0.003%). In summary, the available evidence is currently insufficient to determine the role of this variant in disease. Therefore, it has been classified as a Variant of Uncertain Significance. Advanced modeling of protein sequence and biophysical properties (such as structural, functional, and spatial information, amino acid conservation, physicochemical variation, residue mobility, and thermodynamic stability) performed at Invitae indicates that this missense variant is not expected to disrupt NPHP1 protein function. ClinVar contains an entry for this variant (Variation ID: 1365189). This variant has not been reported in the literature in individuals affected with NPHP1-related conditions. This sequence change replaces arginine, which is basic and polar, with histidine, which is basic and polar, at codon 303 of the NPHP1 protein (p.Arg303His).

Ambry Genetics
Classification: Likely benign for Inborn genetic diseases. Last evaluated: 2023-06-23. Review status: criteria provided, single submitter. Criteria: Ambry Variant Classification Scheme 2023. Collection method: clinical testing. Allele origin: germline.

NM_001128178.3(NPHP1):c.771+137G>A

Gene: NPHP1 (nephrocystin 1; minus strand). Cytogenetic location: 2q13.
Variant type: single nucleotide variant.
Coding change: c.771+137G>A on transcript NM_001128178.3 (MANE Select); 137 bases into the intron after coding-DNA position 771, G replaced by A.
Molecular consequence: intron variant. On other transcripts: missense variant (2).
Genome position (GRCh38, 1-based): chr2:110,164,551, C>T on the plus strand (G>A on the coding strand, the complement: NPHP1 is on the minus strand). VCF-style: chr2-110164551-C-T. GRCh37 (hg19) VCF-style: chr2-110922128-C-T.
Other names: c.908G>A, p.Arg303His (NM_000272.5, NM_207181.4); c.585+137G>A (NM_001128179.3); c.771+137G>A (NM_001374256.1, NM_001374257.1); c.908G>A (NM_000272.3); short protein forms R303H.
Identifiers: ClinVar variation 1365189 (VCV001365189.6), dbSNP rs779083426, ClinGen allele CA1827257.